The following is an entry in ClinVar:

NM_000059.4(BRCA2):c.8984A>C (p.Asp2995Ala)

Gene: BRCA2 (BRCA2 DNA repair associated; plus strand). Cytogenetic location: 13q13.1.
Variant type: single nucleotide variant.
Coding change: c.8984A>C on transcript NM_000059.4 (MANE Select); coding-DNA position 8984, A replaced by C.
Protein change: p.Asp2995Ala; replaces aspartic acid 2995 with alanine.
Molecular consequence: missense variant.
Genome position (GRCh38, 1-based): chr13:32,379,780, A>C. VCF-style: chr13-32379780-A-C. GRCh37 (hg19) VCF-style: chr13-32953917-A-C.
Other names: short protein forms D2995A.
Identifiers: ClinVar variation 926416 (VCV000926416.6), dbSNP rs1593937365, ClinGen allele CA387757414.
Genomic context (GRCh38, chr13:32,379,780, plus strand): 5'-ATTGCATCTTTCTCATCTTTCTCCAAACAGTTATACTGAGTATTTGGCGTCCATCATCAG[A>C]TTTATATTCTCTGTTAACAGAAGGAAAGAGATACAGAATTTATCATCTTGCAACTTCAAA-3'
Protein context (NP_000050.3, residues 2985-3005): VILSIWRPSS[Asp2995Ala]LYSLLTEGKR

ClinVar aggregate classification (germline): Uncertain significance. Review status: criteria provided, multiple submitters, no conflicts (2 of 4 stars). 3 submissions from 3 submitters: Uncertain significance (3). Last evaluated 2025-06-12.

Conditions:
Hereditary cancer-predisposing syndrome. Also called: Tumor predisposition; Hereditary neoplastic syndrome; Neoplastic Syndromes, Hereditary; Hereditary Cancer Syndrome. Identifiers: Orphanet 140162, MedGen C0027672, MeSH D009386, MONDO:0015356.
Breast-ovarian cancer, familial, susceptibility to, 2 (BROVCA2). Also called: BRCA2 Hereditary Breast and Ovarian Cancer. Identifiers: Orphanet 145, MedGen C2675520, MONDO:0012933, OMIM 612555. Disease mechanism: loss of function.

Submissions (3):

Ambry Genetics
Classification: Uncertain significance for Hereditary cancer-predisposing syndrome. Last evaluated: 2025-06-12. Review status: criteria provided, single submitter. Criteria: Ambry Variant Classification Scheme 2023. Collection method: clinical testing. Allele origin: germline.
Comment: The p.D2995A variant (also known as c.8984A>C), located in coding exon 22 of the BRCA2 gene, results from an A to C substitution at nucleotide position 8984. The aspartic acid at codon 2995 is replaced by alanine, an amino acid with dissimilar properties. The results from two saturation genome editing-based studies, including a haploid cell-survival assay and a humanized mouse embryonic stem cell line assay of drug response and survival, are discordant for this nucleotide substitution (Huang H et al. Nature. 2025 Feb;638(8050):528-537; Sahu S et al. Nature. 2025 Feb;638(8050):538-545). This amino acid position is not well conserved in available vertebrate species. In addition, the in silico prediction for this alteration is inconclusive. Based on the available evidence, the clinical significance of this variant remains unclear.

All of Us Research Program, National Institutes of Health
Classification: Uncertain significance for Breast-ovarian cancer, familial, susceptibility to, 2. Last evaluated: 2023-07-10. Review status: criteria provided, single submitter. Criteria: ACMG Guidelines, 2015. Collection method: clinical testing. Allele origin: germline. Inheritance: Autosomal dominant inheritance. Observed: 1 variant allele, 1 heterozygote.
Comment: This missense variant replaces aspartic acid with alanine at codon 2995 of the BRCA2 protein. Computational prediction suggests that this variant may not impact protein structure and function (internally defined REVEL score threshold <= 0.5, PMID: 27666373). To our knowledge, functional studies have not been reported for this variant. This variant has not been reported in individuals affected with BRCA2-related disorders in the literature. This variant has not been identified in the general population by the Genome Aggregation Database (gnomAD). The available evidence is insufficient to determine the role of this variant in disease conclusively. Therefore, this variant is classified as a Variant of Uncertain Significance.

This study involves interpretation of variants in research participants for the purpose of population health screening. Participant phenotype was not available at the time of variant classification. Additional details can be found in publication PMID: 35346344, PMCID: PMC8962531

Color Diagnostics, LLC DBA Color Health
Classification: Uncertain significance for Hereditary cancer-predisposing syndrome. Last evaluated: 2023-06-23. Review status: criteria provided, single submitter. Criteria: ACMG Guidelines, 2015. Collection method: clinical testing. Allele origin: germline.
Comment: This missense variant replaces aspartic acid with alanine at codon 2995 of the BRCA2 protein. Computational prediction suggests that this variant may not impact protein structure and function (internally defined REVEL score threshold <= 0.5, PMID: 27666373). To our knowledge, functional studies have not been reported for this variant. This variant has not been reported in individuals affected with BRCA2-related disorders in the literature. This variant has not been identified in the general population by the Genome Aggregation Database (gnomAD). The available evidence is insufficient to determine the role of this variant in disease conclusively. Therefore, this variant is classified as a Variant of Uncertain Significance.

Literature cited by the submitters: PubMed 39779848 (cited by Ambry Genetics); PubMed 39779857 (cited by Ambry Genetics).